The following is an entry in ClinVar:

NM_032806.6(POMGNT2):c.680T>A (p.Leu227Gln)

Gene: POMGNT2 (protein O-linked mannose N-acetylglucosaminyltransferase 2 (beta 1,4-); minus strand). Cytogenetic location: 3p22.1.
Variant type: single nucleotide variant.
Coding change: c.680T>A on transcript NM_032806.6 (MANE Select); coding-DNA position 680, T replaced by A.
Protein change: p.Leu227Gln; replaces leucine 227 with glutamine.
Molecular consequence: missense variant.
Genome position (GRCh38, 1-based): chr3:43,080,752, A>T on the plus strand (T>A on the coding strand, the complement: POMGNT2 is on the minus strand). VCF-style: chr3-43080752-A-T. GRCh37 (hg19) VCF-style: chr3-43122244-A-T.
Other names: short protein forms L227Q.
Identifiers: ClinVar variation 582883 (VCV000582883.6), dbSNP rs1559414462, ClinGen allele CA352302740.

ClinVar aggregate classification (germline): Uncertain significance (1 of 4 stars; one submission).

Conditions:
Muscular dystrophy-dystroglycanopathy (congenital with brain and eye anomalies), type a, 8 (MDDGA8). Also called: WALKER-WARBURG SYNDROME OR MUSCLE-EYE-BRAIN DISEASE, GTDC2-RELATED. Identifiers: Orphanet 899, MedGen C3553813, MONDO:0013904, OMIM 614830.

Allele frequency attached by ClinVar (database versions not stated): gnomAD exomes 0.00001.
gnomAD v4.1: 5 of 1,614,104 alleles (0.00031%); highest among the groups gnomAD compares: Non-Finnish European, 0.00042%; no homozygotes.

Submission:

Labcorp Genetics (formerly Invitae), Labcorp
Classification: Uncertain significance for Muscular dystrophy-dystroglycanopathy (congenital with brain and eye anomalies), type a, 8. Last evaluated: 2019-05-08. Review status: criteria provided, single submitter. Criteria: Invitae Variant Classification Sherloc (09022015). Collection method: clinical testing. Allele origin: germline.
Comment: In summary, the available evidence is currently insufficient to determine the role of this variant in disease. Therefore, it has been classified as a Variant of Uncertain Significance. Algorithms developed to predict the effect of sequence changes on RNA splicing suggest that this variant may create or strengthen a splice site, but this prediction has not been confirmed by published transcriptional studies. Algorithms developed to predict the effect of missense changes on protein structure and function (SIFT, PolyPhen-2, Align-GVGD) all suggest that this variant is likely to be disruptive, but these predictions have not been confirmed by published functional studies and their clinical significance is uncertain. This variant has not been reported in the literature in individuals with POMGNT2-related disease. This variant is not present in population databases (ExAC no frequency). This sequence change replaces leucine with glutamine at codon 227 of the POMGNT2 protein (p.Leu227Gln). The leucine residue is highly conserved and there is a moderate physicochemical difference between leucine and glutamine.